The following is an entry in ClinVar:

NM_004260.4(RECQL4):c.3041A>C (p.His1014Pro)

Gene: RECQL4 (RecQ like helicase 4; minus strand). Cytogenetic location: 8q24.3.
Variant type: single nucleotide variant.
Coding change: c.3041A>C on transcript NM_004260.4 (MANE Select); coding-DNA position 3041, A replaced by C.
Protein change: p.His1014Pro; replaces histidine 1014 with proline.
Molecular consequence: missense variant. On other transcripts: non-coding transcript variant (3).
Genome position (GRCh38, 1-based): chr8:144,512,406, T>G on the plus strand (A>C on the coding strand, the complement: RECQL4 is on the minus strand). VCF-style: chr8-144512406-T-G. GRCh37 (hg19) VCF-style: chr8-145737789-T-G.
Other names: c.2747A>C, p.His916Pro (NM_001413017.1); c.2843A>C, p.His948Pro (NM_001413018.1); c.3116A>C, p.His1039Pro (NM_001413019.1); c.2945A>C, p.His982Pro (NM_001413020.1); c.1970A>C, p.His657Pro (NM_001413021.1, NM_001413022.1, NM_001413024.1 and 4 more transcripts); c.2045A>C, p.His682Pro (NM_001413023.1); c.3041A>C, p.His1014Pro (NM_001413036.1); c.1838A>C, p.His613Pro (NM_001413037.1); and 9 more; short protein forms H1004P, H657P, H660P, H970P, H1039P, H525P, H635P, H647P.
Identifiers: ClinVar variation 2732608 (VCV002732608.3), dbSNP rs1827421506, ClinGen allele CA372671150.

ClinVar aggregate classification (germline): Uncertain significance (1 of 4 stars; one submission).

Conditions:
Baller-Gerold syndrome (BGS). Also called: CRANIOSYNOSTOSIS WITH RADIAL DEFECTS. Identifiers: Orphanet 1225, MedGen C0265308, MONDO:0009039, OMIM 218600.

Allele frequency attached by ClinVar (database versions not stated): gnomAD 0.00001.
gnomAD v4.1: 1 of 1,607,336 alleles (0.000062%); highest among the groups gnomAD compares: East Asian, 0.0022%; no homozygotes.

Submission:

Labcorp Genetics (formerly Invitae), Labcorp
Classification: Uncertain significance for Baller-Gerold syndrome. Last evaluated: 2025-07-23. Review status: criteria provided, single submitter. Criteria: Invitae Variant Classification Sherloc (09022015). Collection method: clinical testing. Allele origin: germline.
Comment: This sequence change replaces histidine, which is basic and polar, with proline, which is neutral and non-polar, at codon 1014 of the RECQL4 protein (p.His1014Pro). This variant is not present in population databases (gnomAD no frequency). This variant has not been reported in the literature in individuals affected with RECQL4-related conditions. ClinVar contains an entry for this variant (Variation ID: 2732608). Invitae Evidence Modeling of protein sequence and biophysical properties (such as structural, functional, and spatial information, amino acid conservation, physicochemical variation, residue mobility, and thermodynamic stability) indicates that this missense variant is not expected to disrupt RECQL4 protein function with a negative predictive value of 80%. In summary, the available evidence is currently insufficient to determine the role of this variant in disease. Therefore, it has been classified as a Variant of Uncertain Significance.